The following is an entry in ClinVar:

NM_000540.3(RYR1):c.14792C>A (p.Ala4931Asp)

Gene: RYR1 (ryanodine receptor 1; plus strand). Cytogenetic location: 19q13.2.
Variant type: single nucleotide variant.
Coding change: c.14792C>A on transcript NM_000540.3 (MANE Select); coding-DNA position 14792, C replaced by A.
Protein change: p.Ala4931Asp; replaces alanine 4931 with aspartic acid.
Molecular consequence: missense variant.
Genome position (GRCh38, 1-based): chr19:38,585,088, C>A. VCF-style: chr19-38585088-C-A. GRCh37 (hg19) VCF-style: chr19-39075728-C-A.
Other names: c.14777C>A, p.Ala4926Asp (NM_001042723.2); short protein forms A4926D, A4931D.
Identifiers: ClinVar variation 1311706 (VCV001311706.2), dbSNP rs546322293, ClinGen allele CA405691140.

ClinVar aggregate classification (germline): Uncertain significance (1 of 4 stars; one submission).

Submission:

GeneDx
Classification: Uncertain significance. Last evaluated: 2020-02-03. Review status: criteria provided, single submitter. Criteria: GeneDx Variant Classification Process June 2021. Collection method: clinical testing. Allele origin: germline. Affected: yes.
Comment: Has not been previously published as pathogenic or benign to our knowledge; In silico analysis supports that this missense variant has a deleterious effect on protein structure/function; Not observed in large population cohorts (Lek et al., 2016)